The following is an entry in ClinVar:

NM_001154.4(ANXA5):c.242T>C (p.Ile81Thr)

Gene: ANXA5 (annexin A5; minus strand). Cytogenetic location: 4q27.
Variant type: single nucleotide variant.
Coding change: c.242T>C on transcript NM_001154.4 (MANE Select); coding-DNA position 242, T replaced by C.
Protein change: p.Ile81Thr; replaces isoleucine 81 with threonine.
Molecular consequence: missense variant.
Genome position (GRCh38, 1-based): chr4:121,683,425, A>G on the plus strand (T>C on the coding strand, the complement: ANXA5 is on the minus strand). VCF-style: chr4-121683425-A-G. GRCh37 (hg19) VCF-style: chr4-122604580-A-G.
Other names: short protein forms I81T.
Identifiers: ClinVar variation 778158 (VCV000778158.8), dbSNP rs41278081, ClinGen allele CA3062984.
Genomic context (GRCh38, chr4:121,683,425, plus strand): 5'-TTCAAGGCATGTTTCAGTTCATAAGCATCATAAAGCCGAGAGGGTTTCATCAGAGCCACA[A>G]TTAATTTTTCAAATTTTCCAGTTAGTTCTGATTTCAGGTCATCCAGAAGATCCTAACCCA-3'
Protein context (NP_001145.1, residues 71-91): SELTGKFEKL[Ile81Thr]VALMKPSRLY

ClinVar aggregate classification (germline): Likely benign. Review status: criteria provided, multiple submitters, no conflicts (2 of 4 stars). 3 submissions from 3 submitters: Likely benign (3). Last evaluated 2026-02-01.

Allele frequency attached by ClinVar (database versions not stated): gnomAD exomes 0.00216 and 0.00337; ExAC 0.00228; 1000 Genomes Project 0.00240; 1000 Genomes Project 30x 0.00250; gnomAD 0.00277 and 0.00281; TOPMed 0.00297; ESP Exome Variant Server 0.00308.
gnomAD v4.1: 5,326 of 1,611,744 alleles (0.33%); highest among the groups gnomAD compares: Non-Finnish European, 0.4%; 12 homozygotes.

Submissions (3):

CeGaT Center for Human Genetics Tuebingen
Classification: Likely benign. Last evaluated: 2026-02-01. Review status: criteria provided, single submitter. Criteria: CeGaT Center For Human Genetics Tuebingen Variant Classification Criteria Version 2. Collection method: clinical testing. Allele origin: germline. Affected: yes. Observed: 1 variant allele.
Comment: ANXA5: BS2

Labcorp Genetics (formerly Invitae), Labcorp
Classification: Likely benign. Last evaluated: 2018-07-11. Review status: criteria provided, single submitter. Criteria: Invitae Variant Classification Sherloc (09022015). Collection method: clinical testing. Allele origin: germline.

Breakthrough Genomics
Classification: Likely benign. Review status: criteria provided, single submitter. Criteria: ACMG Guidelines, 2015. Collection method: not provided. Allele origin: germline. Inheritance: Autosomal dominant inheritance. Affected: yes.